The following is an entry in ClinVar:

NM_004655.4(AXIN2):c.816-4A>T

Gene: AXIN2 (axin 2; minus strand). Cytogenetic location: 17q24.1.
Variant type: single nucleotide variant.
Coding change: c.816-4A>T on transcript NM_004655.4 (MANE Select); 4 bases into the intron before coding-DNA position 816, A replaced by T.
Molecular consequence: intron variant.
Genome position (GRCh38, 1-based): chr17:65,549,664, T>A on the plus strand (A>T on the coding strand, the complement: AXIN2 is on the minus strand). VCF-style: chr17-65549664-T-A. GRCh37 (hg19) VCF-style: chr17-63545782-T-A.
Other names: c.816-4A>T (NM_001363813.1).
Identifiers: ClinVar variation 3254324 (VCV003254324.1), dbSNP rs1060502153.

ClinVar aggregate classification (germline): Likely benign (1 of 4 stars; one submission).

Conditions:
Oligodontia-cancer predisposition syndrome. Also called: TOOTH AGENESIS-COLORECTAL CANCER SYNDROME. Identifiers: Orphanet 300576, MedGen C1837750, MONDO:0012075, OMIM 608615. Disease mechanism: loss of function.

Submission:

Myriad Genetics, Inc.
Classification: Likely benign for Oligodontia-cancer predisposition syndrome. Last evaluated: 2024-06-27. Review status: criteria provided, single submitter. Criteria: Myriad Autosomal Dominant, Autosomal Recessive and X-Linked Classification Criteria (2023). Collection method: clinical testing. Allele origin: unknown.
Comment: This variant is considered likely benign. This variant is intronic and is not expected to impact mRNA splicing.